The following is an entry in ClinVar:

NM_000038.6(APC):c.8476A>G (p.Ser2826Gly)

Gene: APC (APC regulator of Wnt signaling pathway; plus strand). Cytogenetic location: 5q22.2.
Variant type: single nucleotide variant.
Coding change: c.8476A>G on transcript NM_000038.6 (MANE Select); coding-DNA position 8476, A replaced by G.
Protein change: p.Ser2826Gly; replaces serine 2826 with glycine.
Molecular consequence: missense variant. On other transcripts: non-coding transcript variant (2).
Genome position (GRCh38, 1-based): chr5:112,844,070, A>G. VCF-style: chr5-112844070-A-G. GRCh37 (hg19) VCF-style: chr5-112179767-A-G.
Other names: c.8476A>G, p.Ser2826Gly (NM_001127510.3, NM_001354895.2, NM_001407450.1); c.8422A>G, p.Ser2808Gly (NM_001127511.3); c.8530A>G, p.Ser2844Gly (NM_001354896.2, NM_001407447.1, NM_001407448.1 and 1 more transcripts); c.8506A>G, p.Ser2836Gly (NM_001354897.2); c.8401A>G, p.Ser2801Gly (NM_001354898.2); c.8392A>G, p.Ser2798Gly (NM_001354899.2); c.8353A>G, p.Ser2785Gly (NM_001354900.2); c.8299A>G, p.Ser2767Gly (NM_001354901.2, NM_001407453.1); and 11 more; short protein forms S2666G, S2697G, S2725G, S2826G, S2543G, S2700G, S2816G, S2844G.
Identifiers: ClinVar variation 2787087 (VCV002787087.4), dbSNP rs2150006032, ClinGen allele CA16039719.
Genomic context (GRCh38, chr5:112,844,070, plus strand): 5'-CCAACTCCAGTGAATAACAACACAAAGAAGCGAGATTCCAAAACTGACAGCACAGAATCC[A>G]GTGGAACCCAAAGTCCTAAGCGCCATTCTGGGTCTTACCTTGTGACATCTGTTTAAAAGA-3'
Protein context (NP_000029.2, residues 2816-2836): RDSKTDSTES[Ser2826Gly]GTQSPKRHSG

ClinVar aggregate classification (germline): Uncertain significance. Review status: criteria provided, multiple submitters, no conflicts (2 of 4 stars). 2 submissions from 2 submitters: Uncertain significance (2). Last evaluated 2026-01-12.

Conditions:
Hereditary cancer-predisposing syndrome. Also called: Hereditary neoplastic syndrome; Neoplastic Syndromes, Hereditary; Tumor predisposition; Hereditary Cancer Syndrome. Identifiers: Orphanet 140162, MedGen C0027672, MeSH D009386, MONDO:0015356.
Familial adenomatous polyposis 1 (FAP1). Also called: FAMILIAL ADENOMATOUS POLYPOSIS 1, ATTENUATED; POLYPOSIS, ADENOMATOUS INTESTINAL. Identifiers: MedGen C2713442, MONDO:0021056, OMIM 175100. Disease mechanism: loss of function.

Submissions (2):

Labcorp Genetics (formerly Invitae), Labcorp
Classification: Uncertain significance for Familial adenomatous polyposis 1. Last evaluated: 2026-01-12. Review status: criteria provided, single submitter. Criteria: Invitae Variant Classification Sherloc (09022015). Collection method: clinical testing. Allele origin: germline.
Comment: This sequence change replaces serine, which is neutral and polar, with glycine, which is neutral and non-polar, at codon 2826 of the APC protein (p.Ser2826Gly). This variant is not present in population databases (gnomAD no frequency). This variant has not been reported in the literature in individuals affected with APC-related conditions. ClinVar contains an entry for this variant (Variation ID: 2787087). Invitae Evidence Modeling of protein sequence and biophysical properties (such as structural, functional, and spatial information, amino acid conservation, physicochemical variation, residue mobility, and thermodynamic stability) indicates that this missense variant is not expected to disrupt APC protein function with a negative predictive value of 95%. In summary, the available evidence is currently insufficient to determine the role of this variant in disease. Therefore, it has been classified as a Variant of Uncertain Significance.

Color Diagnostics, LLC DBA Color Health
Classification: Uncertain significance for Hereditary cancer-predisposing syndrome. Last evaluated: 2024-06-30. Review status: criteria provided, single submitter. Criteria: ACMG Guidelines, 2015. Collection method: clinical testing. Allele origin: germline.
Comment: This missense variant replaces serine with glycine at codon 2826 of the APC protein. Computational prediction suggests that this variant may not impact protein structure and function (internally defined REVEL score threshold <= 0.5, PMID: 27666373). To our knowledge, functional studies have not been reported for this variant. This variant has not been reported in individuals affected with APC-related disorders in the literature. This variant has not been identified in the general population by the Genome Aggregation Database (gnomAD). The available evidence is insufficient to determine the role of this variant in disease conclusively. Therefore, this variant is classified as a Variant of Uncertain Significance.